The following is an entry in ClinVar:

ClinVar aggregate classification (germline): Conflicting classifications of pathogenicity. Review status: criteria provided, conflicting classifications (1 of 4 stars). 2 submissions from 2 submitters: Likely pathogenic (1); Uncertain significance (1). Last evaluated 2024-01-25.

Conditions:
Polycystic kidney disease, adult type (PKD1). Also called: Polycystic Kidney Disease 1, Autosomal Dominant; Polycystic kidney disease 1; Polycystic kidney disease 1, severe; POLYCYSTIC KIDNEY DISEASE, ADULT, TYPE I; Polycystic Kidney, Autosomal Dominant; POLYCYSTIC KIDNEY DISEASE 1 WITH OR WITHOUT POLYCYSTIC LIVER DISEASE. Identifiers: MedGen C3149841, MONDO:0008263, OMIM 173900.

Submissions (2):

Fulgent Genetics
Classification: Likely pathogenic for Polycystic kidney disease, adult type. Last evaluated: 2024-01-25. Review status: criteria provided, single submitter. Criteria: ACMG Guidelines, 2015. Collection method: clinical testing. Allele origin: germline.

GeneDx
Classification: Uncertain significance. Last evaluated: 2022-07-20. Review status: criteria provided, single submitter. Criteria: GeneDx Variant Classification Process June 2021. Collection method: clinical testing. Allele origin: germline. Affected: yes.
Comment: Not observed at significant frequency in large population cohorts (gnomAD); In-frame deletion of 20 amino acids and insertion of two alternate amino acids in a non-repeat region; Has not been previously published as pathogenic or benign to our knowledge

NM_001009944.3(PKD1):c.6545_6603delinsGCTCG (p.Gln2182_Pro2201delinsArgSer)

Gene: PKD1 (polycystin 1, transient receptor potential channel interacting; minus strand). Cytogenetic location: 16p13.3.
Variant type: Indel.
Coding change: c.6545_6603delinsGCTCG on transcript NM_001009944.3 (MANE Select); coding-DNA positions 6545 to 6603, the reference bases replaced by GCTCG.
Protein change: p.Gln2182_Pro2201delinsArgSer.
Molecular consequence: inframe indel.
Genome position (GRCh38, 1-based): chr16:2,108,564-2,108,622, 59 bases replaced. GRCh37 (hg19): chr16:2,158,565-2,158,623.
Other names: c.6545_6603delinsGCTCG, p.Gln2182_Pro2201delinsArgSer (NM_000296.4); c.6545_6603del59insGCTCG, p.Gln2182_Pro2201delinsArgSer (NM_001009944.2).
Identifiers: ClinVar variation 2136066 (VCV002136066.2), dbSNP rs2544801847, ClinGen allele CA2580090976.